The following is an entry in ClinVar:

ClinVar aggregate classification (germline): Benign/Likely benign. Review status: criteria provided, multiple submitters, no conflicts (2 of 4 stars). 3 submissions from 3 submitters: Benign (1); Likely benign (1). 1 of the submissions does not count toward it. Last evaluated 2024-10-18.

Conditions:
Coxopodopatellar syndrome. Also called: ISCHIOCOXOPODOPATELLAR SYNDROME WITH OR WITHOUT PULMONARY ARTERIAL HYPERTENSION; Congenital coxa vara, patella aplasia and tarsal synostosis; ISCHIOPATELLAR DYSPLASIA; SCOTT-TAOR SYNDROME; ISCHIOCOXOPODOPATELLAR SYNDROME; PATELLA APLASIA, COXA VARA, AND TARSAL SYNOSTOSIS. Identifiers: Orphanet 1509, MedGen C1840061, MONDO:0007841, OMIM 147891.
TBX4-related disorder. Also called: TBX4-related condition; TBX4-related disorders.

Allele frequency attached by ClinVar (database versions not stated): gnomAD 0.00008 and 0.00009; ExAC 0.00009; TOPMed 0.00011.

Submissions (3):

Blueprint Genetics
Classification: Likely benign. Last evaluated: 2024-10-18. Review status: criteria provided, single submitter. Criteria: ACMG Guidelines, 2015. Collection method: clinical testing. Allele origin: germline.

Illumina Laboratory Services, Illumina
Classification: Benign for Coxopodopatellar syndrome. Last evaluated: 2018-01-12. Review status: criteria provided, single submitter. Criteria: ICSL Variant Classification Criteria 13 December 2019. Collection method: clinical testing. Allele origin: germline.
Comment: This variant was observed in the ICSL laboratory as part of a predisposition screen in an ostensibly healthy population. It had not been previously curated by ICSL or reported in the Human Gene Mutation Database (HGMD: prior to June 1st, 2018), and was therefore a candidate for classification through an automated scoring system. Utilizing variant allele frequency, disease prevalence and penetrance estimates, and inheritance mode, an automated score was calculated to assess if this variant is too frequent to cause the disease. Based on the score and internal cut-off values, a variant classified as benign is not then subjected to further curation. The score for this variant resulted in a classification of benign for this disease.

PreventionGenetics, part of Exact Sciences
Classification: Likely benign for TBX4-related condition. Last evaluated: 2019-03-05. Review status: no assertion criteria provided. Collection method: clinical testing. Allele origin: germline. Not counted in ClinVar's aggregate classification.
Comment: This variant is classified as likely benign based on ACMG/AMP sequence variant interpretation guidelines (Richards et al. 2015 PMID: 25741868, with internal and published modifications).

NM_001321120.2(TBX4):c.24C>T (p.Ser8=)

Gene: TBX4 (T-box transcription factor 4; plus strand). Cytogenetic location: 17q23.2.
Variant type: single nucleotide variant.
Coding change: c.24C>T on transcript NM_001321120.2 (MANE Select); coding-DNA position 24, C replaced by T.
Protein change: p.Ser8=; no amino-acid change (serine 8 retained).
Molecular consequence: synonymous variant.
Genome position (GRCh38, 1-based): chr17:61,456,514, C>T. VCF-style: chr17-61456514-C-T. GRCh37 (hg19) VCF-style: chr17-59533875-C-T.
Other names: c.24C>T, p.Ser8= (LRG_1206t1, NM_018488.3).
Identifiers: ClinVar variation 324242 (VCV000324242.8), dbSNP rs777880490, ClinGen allele CA8689724.
Genomic context (GRCh38, chr17:61,456,514, plus strand): 5'-TGGGCGAGTGACTCGTTGTGTGCTGTGCCCGCAGGAGATGCTGCAGGATAAGGGCCTGTC[C>T]GAGAGCGAGGAGGCCTTCCGGGCCCCGGGCCCAGCGCTCGGAGAGGCCAGCGCAGCCAAC-3'
Protein context (NP_001308049.1, residues 1-18): MLQDKGL[Ser8=]ESEEAFRAPG